The following is an entry in ClinVar:

ClinVar aggregate classification (germline): Uncertain significance (1 of 4 stars; one submission).

Conditions:
Cortical dysplasia-focal epilepsy syndrome (PTHSL1). Also called: Pitt-Hopkins-like syndrome 1. Identifiers: Orphanet 163681, Orphanet 221150, MedGen C2750246, MONDO:0012400, OMIM 610042.

Submission:

Labcorp Genetics (formerly Invitae), Labcorp
Classification: Uncertain significance for Cortical dysplasia-focal epilepsy syndrome. Last evaluated: 2018-07-02. Review status: criteria provided, single submitter. Criteria: Invitae Variant Classification Sherloc (09022015). Collection method: clinical testing. Allele origin: germline.
Comment: In summary, the available evidence is currently insufficient to determine the role of this variant in disease. Therefore, it has been classified as a Variant of Uncertain Significance. Algorithms developed to predict the effect of missense changes on protein structure and function are either unavailable or do not agree on the potential impact of this missense change (SIFT: "Deleterious"; PolyPhen-2: "Benign"; Align-GVGD: "Class C65"). This variant has not been reported in the literature in individuals with CNTNAP2-related disease. This variant is not present in population databases (ExAC no frequency). This sequence change replaces threonine with isoleucine at codon 705 of the CNTNAP2 protein (p.Thr705Ile). The threonine residue is highly conserved and there is a moderate physicochemical difference between threonine and isoleucine.

NM_014141.6(CNTNAP2):c.2114C>T (p.Thr705Ile)

Gene: CNTNAP2 (contactin associated protein 2; plus strand). Cytogenetic location: 7q35.
Variant type: single nucleotide variant.
Coding change: c.2114C>T on transcript NM_014141.6 (MANE Select); coding-DNA position 2114, C replaced by T.
Protein change: p.Thr705Ile; replaces threonine 705 with isoleucine.
Molecular consequence: missense variant.
Genome position (GRCh38, 1-based): chr7:147,903,580, C>T. VCF-style: chr7-147903580-C-T. GRCh37 (hg19) VCF-style: chr7-147600672-C-T.
Other names: short protein forms T705I.
Identifiers: ClinVar variation 652692 (VCV000652692.9), dbSNP rs1585019989, ClinGen allele CA369926826.
Genomic context (GRCh38, chr7:147,903,580, plus strand): 5'-TGAACCCAGGTCTGTTTCTAAATATACCTTTGCCTTTTCTTGTAGATGGAAGCCCTTACA[C>T]TTGGTGGGTTGGCAAAGCCAACGAGAAGCACTACTACTGGGGAGGCTCTGGGCCTGGAAT-3'
Protein context (NP_054860.1, residues 695-715): LLNTPDGSPY[Thr705Ile]WWVGKANEKH